The following is an entry in ClinVar:

ClinVar aggregate classification (germline): Likely pathogenic (1 of 4 stars; one submission).

Submission:

GeneDx
Classification: Likely pathogenic. Last evaluated: 2022-10-26. Review status: criteria provided, single submitter. Criteria: GeneDx Variant Classification Process June 2021. Collection method: clinical testing. Allele origin: germline. Affected: yes.
Comment: Has not been previously published as pathogenic or benign to our knowledge; Not observed at significant frequency in large population cohorts (gnomAD); In silico analysis supports that this missense variant has a deleterious effect on protein structure/function; Located at the last nucleotide position of the exon, which is part of the splice donor site, and predicted to result in aberrant splicing; although in the absence of functional evidence, the actual effect of this sequence change is unknown

NM_000501.4(ELN):c.133G>A (p.Gly45Arg)

Gene: ELN (elastin; plus strand). Cytogenetic location: 7q11.23.
Variant type: single nucleotide variant.
Coding change: c.133G>A on transcript NM_000501.4 (MANE Select); coding-DNA position 133, G replaced by A.
Protein change: p.Gly45Arg; replaces glycine 45 with arginine.
Molecular consequence: missense variant.
Genome position (GRCh38, 1-based): chr7:74,035,414, G>A. VCF-style: chr7-74035414-G-A. GRCh37 (hg19) VCF-style: chr7-73449744-G-A.
Other names: c.133G>A, p.Ala45Thr (NM_001081752.3, NM_001278914.2, NM_001278917.2 and 1 more transcripts); c.133G>A, p.Gly45Arg (NM_001081753.3, NM_001081754.3, NM_001081755.3 and 5 more transcripts); short protein forms A45T, G45R.
Identifiers: ClinVar variation 1311305 (VCV001311305.4), dbSNP rs2131152526, ClinGen allele CA367868896.
Genomic context (GRCh38, chr7:74,035,414, plus strand): 5'-TTCCTTTCAGGGGTCCCTGGGGCCATTCCTGGTGGAGTTCCTGGAGGAGTCTTTTATCCA[G>A]GTAACGTACATGAAACTTCCACACACCCAGGTCATGCGGATGATGCTGATGTCCATAATA-3'
Protein context (NP_000492.2, residues 35-55): GGVPGGVFYP[Gly45Arg]AGLGALGGGA